The following is an entry in ClinVar:

ClinVar aggregate classification (germline): Likely benign. Review status: criteria provided, single submitter (1 of 4 stars). 2 submissions from 2 submitters: Likely benign (1). 1 of the submissions does not count toward it. Last evaluated 2025-12-07.

Conditions:
SEMA3A-related disorder. Also called: SEMA3A-related condition.

Allele frequency attached by ClinVar (database versions not stated): gnomAD 0.00001; TOPMed 0.00001; gnomAD exomes 0.00003; 1000 Genomes Project 30x 0.00016; ExAC 0.00018; 1000 Genomes Project 0.00020.
gnomAD v4.1: 21 of 1,586,018 alleles (0.0013%); highest among the groups gnomAD compares: Admixed American, 0.037%; no homozygotes.

Submissions (2):

Labcorp Genetics (formerly Invitae), Labcorp
Classification: Likely benign. Last evaluated: 2025-12-07. Review status: criteria provided, single submitter. Criteria: Invitae Variant Classification Sherloc (09022015). Collection method: clinical testing. Allele origin: germline.

PreventionGenetics, part of Exact Sciences
Classification: Likely benign for SEMA3A-related condition. Last evaluated: 2019-07-16. Review status: no assertion criteria provided. Collection method: clinical testing. Allele origin: germline. Not counted in ClinVar's aggregate classification.
Comment: This variant is classified as likely benign based on ACMG/AMP sequence variant interpretation guidelines (Richards et al. 2015 PMID: 25741868, with internal and published modifications).

NM_006080.3(SEMA3A):c.1495-5C>T

Gene: SEMA3A (semaphorin 3A; minus strand). Cytogenetic location: 7q21.11.
Variant type: single nucleotide variant.
Coding change: c.1495-5C>T on transcript NM_006080.3 (MANE Select); 5 bases into the intron before coding-DNA position 1495, C replaced by T.
Molecular consequence: intron variant.
Genome position (GRCh38, 1-based): chr7:83,981,483, G>A on the plus strand (C>T on the coding strand, the complement: SEMA3A is on the minus strand). VCF-style: chr7-83981483-G-A. GRCh37 (hg19) VCF-style: chr7-83610799-G-A.
Identifiers: ClinVar variation 3050862 (VCV003050862.3), dbSNP rs201612526, ClinGen allele CA4322691.